The following is an entry in ClinVar:

ClinVar aggregate classification (germline): Conflicting classifications of pathogenicity. Review status: criteria provided, conflicting classifications (1 of 4 stars). 4 submissions from 4 submitters: Uncertain significance (3); Likely benign (1). Last evaluated 2026-04-01.

Conditions:
Developmental and epileptic encephalopathy, 42 (DEE42A). Also called: Epileptic encephalopathy, early infantile, 42; DEVELOPMENTAL AND EPILEPTIC ENCEPHALOPATHY 42A; EPILEPTIC ENCEPHALOPATHY, EARLY INFANTILE, 42A. Identifiers: MedGen C4310716, MONDO:0014917, OMIM 617106.
Episodic ataxia type 2 (EA2). Also called: ACETAZOLAMIDE-RESPONSIVE HEREDITARY PAROXYSMAL CEREBELLAR ATAXIA; ATAXIA, EPISODIC, WITH NYSTAGMUS; ATAXIA, FAMILIAL PAROXYSMAL; CEREBELLAR ATAXIA, PAROXYSMAL, ACETAZOLAMIDE-RESPONSIVE; CEREBELLOPATHY, HEREDITARY PAROXYSMAL; EPISODIC ATAXIA, NYSTAGMUS-ASSOCIATED. Identifiers: Orphanet 97, MedGen C1720416, MONDO:0007163, OMIM 108500.

Allele frequency attached by ClinVar (database versions not stated): gnomAD 0.00001; gnomAD exomes below 0.00001; TOPMed 0.00001.
gnomAD v4.1: 4 of 1,613,520 alleles (0.00025%); highest among the groups gnomAD compares: South Asian, 0.0022%; 1 homozygote.

Submissions (4):

GeneDx
Classification: Uncertain significance. Last evaluated: 2026-04-01. Review status: criteria provided, single submitter. Criteria: GeneDx Variant Classification Process June 2021. Collection method: clinical testing. Allele origin: germline.
Comment: Not observed at significant frequency in large population cohorts (gnomAD); In silico analysis supports that this missense variant has a deleterious effect on protein structure/function; Has not been previously published as pathogenic or benign to our knowledge

Labcorp Genetics (formerly Invitae), Labcorp
Classification: Uncertain significance for Developmental and epileptic encephalopathy, 42; Episodic ataxia type 2. Last evaluated: 2022-04-19. Review status: criteria provided, single submitter. Criteria: Invitae Variant Classification Sherloc (09022015). Collection method: clinical testing. Allele origin: germline.
Comment: In summary, the available evidence is currently insufficient to determine the role of this variant in disease. Therefore, it has been classified as a Variant of Uncertain Significance. Advanced modeling of protein sequence and biophysical properties (such as structural, functional, and spatial information, amino acid conservation, physicochemical variation, residue mobility, and thermodynamic stability) performed at Invitae indicates that this missense variant is expected to disrupt CACNA1A protein function. ClinVar contains an entry for this variant (Variation ID: 1334825). This variant has not been reported in the literature in individuals affected with CACNA1A-related conditions. This variant is not present in population databases (gnomAD no frequency). This sequence change replaces serine, which is neutral and polar, with tyrosine, which is neutral and polar, at codon 753 of the CACNA1A protein (p.Ser753Tyr).

Revvity Omics, Revvity
Classification: Uncertain significance. Last evaluated: 2019-06-18. Review status: criteria provided, single submitter. Criteria: ACMG Guidelines, 2015. Collection method: clinical testing. Allele origin: germline.

Genetic Services Laboratory, University of Chicago
Classification: Likely benign. Last evaluated: 2018-02-13. Review status: criteria provided, single submitter. Criteria: ACMG Guidelines, 2015. Collection method: clinical testing. Allele origin: germline. Affected: no.

NM_001127222.2(CACNA1A):c.2255C>A (p.Ser752Tyr)

Gene: CACNA1A (calcium voltage-gated channel subunit alpha1 A; minus strand). Cytogenetic location: 19p13.13.
Variant type: single nucleotide variant.
Coding change: c.2255C>A on transcript NM_001127222.2 (MANE Select); coding-DNA position 2255, C replaced by A.
Protein change: p.Ser752Tyr; replaces serine 752 with tyrosine.
Molecular consequence: missense variant.
Genome position (GRCh38, 1-based): chr19:13,300,574, G>T on the plus strand (C>A on the coding strand, the complement: CACNA1A is on the minus strand). VCF-style: chr19-13300574-G-T. GRCh37 (hg19) VCF-style: chr19-13411388-G-T.
Other names: c.2267C>A, p.Ser756Tyr (NM_000068.4, NM_023035.3); c.2258C>A, p.Ser753Tyr (NM_001127221.2, NM_001174080.2); short protein forms S752Y, S753Y, S756Y.
Identifiers: ClinVar variation 1334825 (VCV001334825.13), dbSNP rs535900273, ClinGen allele CA305507065.